The following is an entry in ClinVar:

ClinVar aggregate classification (germline): Uncertain significance (1 of 4 stars; one submission).

Conditions:
Hereditary pancreatitis (PCTT). Also called: PRSS1-Related Hereditary Pancreatitis; Hereditary chronic pancreatitis. Identifiers: Orphanet 676, MedGen C0238339, MONDO:0008185, OMIM 167800.

Allele frequency attached by ClinVar (database versions not stated): gnomAD exomes below 0.00001; ExAC 0.00002.

Submission:

Ambry Genetics
Classification: Uncertain significance for Hereditary pancreatitis. Last evaluated: 2025-06-02. Review status: criteria provided, single submitter. Criteria: Ambry Variant Classification Scheme 2023. Collection method: clinical testing. Allele origin: germline.
Comment: The p.G44S variant (also known as c.130G>A), located in coding exon 2 of the PRSS1 gene, results from a G to A substitution at nucleotide position 130. The glycine at codon 44 is replaced by serine, an amino acid with similar properties. This amino acid position is conserved. In addition, this alteration is predicted to be deleterious by in silico analysis. Since supporting evidence is limited at this time, the clinical significance of this alteration remains unclear.

NM_002769.5(PRSS1):c.130G>A (p.Gly44Ser)

Genes: PRSS1 (serine protease 1; plus strand), TRB (T cell receptor beta locus; plus strand). Cytogenetic location: 7q34.
Variant type: single nucleotide variant.
Coding change: c.130G>A on transcript NM_002769.5 (MANE Select); coding-DNA position 130, G replaced by A.
Protein change: p.Gly44Ser; replaces glycine 44 with serine.
Molecular consequence: missense variant. On other transcripts: non-coding transcript variant (4).
Genome position (GRCh38, 1-based): chr7:142,750,644, G>A. VCF-style: chr7-142750644-G-A. GRCh37 (hg19) VCF-style: chr7-142458495-G-A.
Other names: short protein forms G44S.
Identifiers: ClinVar variation 1769626 (VCV001769626.3), dbSNP rs772636606, ClinGen allele CA4529684.
Genomic context (GRCh38, chr7:142,750,644, plus strand): 5'-ATCGTTGGGGGCTACAACTGTGAGGAGAATTCTGTCCCCTACCAGGTGTCCCTGAATTCT[G>A]GCTACCACTTCTGTGGTGGCTCCCTCATCAACGAACAGTGGGTGGTATCAGCAGGCCACT-3'
Protein context (NP_002760.1, residues 34-54): SVPYQVSLNS[Gly44Ser]YHFCGGSLIN